The following is an entry in ClinVar:

ClinVar aggregate classification (germline): Uncertain significance (1 of 4 stars; one submission).

Submission:

Labcorp Genetics (formerly Invitae), Labcorp
Classification: Uncertain significance. Last evaluated: 2024-05-22. Review status: criteria provided, single submitter. Criteria: Invitae Variant Classification Sherloc (09022015). Collection method: clinical testing. Allele origin: germline.
Comment: This sequence change replaces isoleucine, which is neutral and non-polar, with leucine, which is neutral and non-polar, at codon 324 of the DUOX2 protein (p.Ile324Leu). This variant is not present in population databases (gnomAD no frequency). This variant has not been reported in the literature in individuals affected with DUOX2-related conditions. Advanced modeling of protein sequence and biophysical properties (such as structural, functional, and spatial information, amino acid conservation, physicochemical variation, residue mobility, and thermodynamic stability) performed at Invitae indicates that this missense variant is not expected to disrupt DUOX2 protein function with a negative predictive value of 80%. In summary, the available evidence is currently insufficient to determine the role of this variant in disease. Therefore, it has been classified as a Variant of Uncertain Significance.

NM_001363711.2(DUOX2):c.970A>C (p.Ile324Leu)

Gene: DUOX2 (dual oxidase 2; minus strand). Cytogenetic location: 15q21.1.
Variant type: single nucleotide variant.
Coding change: c.970A>C on transcript NM_001363711.2 (MANE Select); coding-DNA position 970, A replaced by C.
Protein change: p.Ile324Leu; replaces isoleucine 324 with leucine.
Molecular consequence: missense variant.
Genome position (GRCh38, 1-based): chr15:45,110,498, T>G on the plus strand (A>C on the coding strand, the complement: DUOX2 is on the minus strand). VCF-style: chr15-45110498-T-G. GRCh37 (hg19) VCF-style: chr15-45402696-T-G.
Other names: c.970A>C, p.Ile324Leu (NM_014080.5); short protein forms I324L.
Identifiers: ClinVar variation 3687081 (VCV003687081.2).
Genomic context (GRCh38, chr15:45,110,498, plus strand): 5'-CACCAGGGGGCACCATGGTAGAGAAGAACTGCTCAGAGGCCACCACAAATTCCGGGGAGA[T>G]GCTGGGGTCTAGGAAAGGACGGTATCCTGCAGGAAGGAGACGGTGATGATGGGGAGACAG-3'
Protein context (NP_001350640.1, residues 314-334): TGYRPFLDPS[Ile324Leu]SPEFVVASEQ